The following is an entry in ClinVar:

NM_018216.4(PANK4):c.795C>T (p.Leu265=)

Gene: PANK4 (pantothenate kinase 4 (inactive); minus strand). Cytogenetic location: 1p36.32.
Variant type: single nucleotide variant.
Coding change: c.795C>T on transcript NM_018216.4 (MANE Select); coding-DNA position 795, C replaced by T.
Protein change: p.Leu265=; no amino-acid change (leucine 265 retained).
Molecular consequence: synonymous variant.
Genome position (GRCh38, 1-based): chr1:2,519,859, G>A on the plus strand (C>T on the coding strand, the complement: PANK4 is on the minus strand). VCF-style: chr1-2519859-G-A. GRCh37 (hg19) VCF-style: chr1-2451298-G-A.
Identifiers: ClinVar variation 2638088 (VCV002638088.25), dbSNP rs34724650, ClinGen allele CA540596.

ClinVar aggregate classification (germline): Likely benign. Review status: criteria provided, multiple submitters, no conflicts (2 of 4 stars). 2 submissions from 2 submitters: Likely benign (2). Last evaluated 2024-11-21.

Allele frequency attached by ClinVar (database versions not stated): 1000 Genomes Project 30x 0.00109; 1000 Genomes Project 0.00120; ESP Exome Variant Server 0.00187; ExAC 0.00346.
gnomAD v4.1: 6,037 of 1,572,614 alleles (0.38%); highest among the groups gnomAD compares: Non-Finnish European, 0.47%; 21 homozygotes.

Submissions (2):

Blueprint Genetics
Classification: Likely benign. Last evaluated: 2024-11-21. Review status: criteria provided, single submitter. Criteria: ACMG Guidelines, 2015. Collection method: clinical testing. Allele origin: germline.

CeGaT Center for Human Genetics Tuebingen
Classification: Likely benign. Last evaluated: 2023-03-01. Review status: criteria provided, single submitter. Criteria: CeGaT Center For Human Genetics Tuebingen Variant Classification Criteria Version 2. Collection method: clinical testing. Allele origin: germline. Affected: yes. Observed: 1 variant allele.
Comment: PANK4: BP4, BP7